The following is an entry in ClinVar:

NM_172107.4(KCNQ2):c.691G>A (p.Glu231Lys)

Gene: KCNQ2 (potassium voltage-gated channel subfamily Q member 2; minus strand). Cytogenetic location: 20q13.33.
Variant type: single nucleotide variant.
Coding change: c.691G>A on transcript NM_172107.4 (MANE Select); coding-DNA position 691, G replaced by A.
Protein change: p.Glu231Lys; replaces glutamic acid 231 with lysine.
Molecular consequence: missense variant.
Genome position (GRCh38, 1-based): chr20:63,442,531, C>T on the plus strand (G>A on the coding strand, the complement: KCNQ2 is on the minus strand). VCF-style: chr20-63442531-C-T. GRCh37 (hg19) VCF-style: chr20-62073884-C-T.
Other names: c.691G>A, p.Glu231Lys (NM_001382235.1, NM_004518.6, NM_172106.3 and 2 more transcripts); short protein forms E231K.
Identifiers: ClinVar variation 2585470 (VCV002585470.1), dbSNP rs1064794063, ClinGen allele CA409654121.

ClinVar aggregate classification (germline): Uncertain significance (1 of 4 stars; one submission).

Conditions:
Developmental and epileptic encephalopathy, 7 (DEE7). Also called: KCNQ2-Related Neonatal Epileptic Encephalopathy; Early infantile epileptic encephalopathy 7; KCNQ2-Related Neonatal-Onset Developmental and Epileptic Encephalopathy (NEO-DEE). Identifiers: Orphanet 439218, MedGen C3150986, MONDO:0013387, OMIM 613720.

Submission:

Neuberg Centre For Genomic Medicine, NCGM
Classification: Uncertain significance for Developmental and epileptic encephalopathy, 7. Review status: criteria provided, single submitter. Criteria: ACMG Guidelines, 2015. Collection method: clinical testing. Allele origin: germline. Inheritance: Autosomal dominant inheritance. Affected: yes.
Comment: The missense variant c.691G>A (p.Glu231Lys) in KCNQ2 gene has not been reported previously as a pathogenic variant nor as a benign variant, to our knowledge. This variant is novel (not in any individuals) in gnomAD Exomes and 1000 Genomes. The amino acid Glutamic acid at position 231 is changed to a Lysine changing protein sequence and it might alter its composition and physico-chemical properties. Another variant has been reported in the same position as disease causing in the LOVD database. The variant is predicted to be damaging by SIFT. The residue is conserved across species. For these reasons, this variant has been classified as Uncertain Significance.